The following is an entry in ClinVar:

ClinVar aggregate classification (germline): Likely pathogenic (1 of 4 stars; one submission).

Conditions:
Familial cancer of breast. Also called: BREAST CANCER, FAMILIAL; Hereditary breast cancer; hereditary breast carcinoma. Identifiers: Orphanet 227535, MedGen C0346153, MONDO:0016419, OMIM 114480. Disease mechanism: loss of function.

Submission:

Labcorp Genetics (formerly Invitae), Labcorp
Classification: Likely pathogenic for Familial cancer of breast. Last evaluated: 2024-01-07. Review status: criteria provided, single submitter. Criteria: Invitae Variant Classification Sherloc (09022015). Collection method: clinical testing. Allele origin: unknown.
Comment: This variant is a gross deletion of the genomic region encompassing exon(s) 9-10 of the PALB2 gene. This variant would be expected to be in-frame, preserving the integrity of the reading frame. A similar copy number variant has been observed in individual(s) with breast cancer (PMID: 24136930, 32624572). This variant disrupts the WD40-like repeats of the PALB2 protein, which are required for interactions with the BRCA2, POLH, and RAD51C proteins (PMID: 24141787, 24485656). While functional studies have not been performed to directly test the effect of this variant on PALB2 protein function, this suggests that disruption of this region of the protein is causative of disease. In summary, the currently available evidence indicates that the variant is pathogenic, but additional data are needed to prove that conclusively. Therefore, this variant has been classified as Likely Pathogenic.

Literature cited by the submitters: PubMed 24136930; PubMed 32624572; PubMed 24141787; PubMed 24485656.

NC_000016.9:g.(?_23632663)_(23634471_?)del

Gene: PALB2 (partner and localizer of BRCA2; minus strand). Cytogenetic location: 16p12.2.
Variant type: Deletion.
Identifiers: ClinVar variation 3243350 (VCV003243350.1).